The following is an entry in ClinVar:

ClinVar aggregate classification (germline): Uncertain significance (1 of 4 stars; one submission).

Conditions:
Dilated cardiomyopathy 1W (CMD1W). Identifiers: Orphanet 154, MedGen C1969639, MONDO:0012667, OMIM 611407.

Submission:

Labcorp Genetics (formerly Invitae), Labcorp
Classification: Uncertain significance for Dilated cardiomyopathy 1W. Last evaluated: 2023-02-26. Review status: criteria provided, single submitter. Criteria: Invitae Variant Classification Sherloc (09022015). Collection method: clinical testing. Allele origin: germline.
Comment: This variant is not present in population databases (gnomAD no frequency). This sequence change replaces glutamine, which is neutral and polar, with lysine, which is basic and polar, at codon 474 of the VCL protein (p.Gln474Lys). This variant has not been reported in the literature in individuals affected with VCL-related conditions. In summary, the available evidence is currently insufficient to determine the role of this variant in disease. Therefore, it has been classified as a Variant of Uncertain Significance. An algorithm developed to predict the effect of missense changes on protein structure and function (PolyPhen-2) suggests that this variant is likely to be disruptive.

NM_014000.3(VCL):c.1420C>A (p.Gln474Lys)

Gene: VCL (vinculin; plus strand). Cytogenetic location: 10q22.2.
Variant type: single nucleotide variant.
Coding change: c.1420C>A on transcript NM_014000.3 (MANE Select); coding-DNA position 1420, C replaced by A.
Protein change: p.Gln474Lys; replaces glutamine 474 with lysine.
Molecular consequence: missense variant.
Genome position (GRCh38, 1-based): chr10:74,094,338, C>A. VCF-style: chr10-74094338-C-A. GRCh37 (hg19) VCF-style: chr10-75854096-C-A.
Other names: c.1420C>A, p.Gln474Lys (NM_003373.4); short protein forms Q474K.
Identifiers: ClinVar variation 2841046 (VCV002841046.3), dbSNP rs2549225317, ClinGen allele CA377273773.